The following is an entry in ClinVar:

NM_001101426.4(CRPPA):c.376C>G (p.Arg126Gly)

Gene: CRPPA (CDP-L-ribitol pyrophosphorylase A; minus strand). Cytogenetic location: 7p21.2.
Variant type: single nucleotide variant.
Coding change: c.376C>G on transcript NM_001101426.4 (MANE Select); coding-DNA position 376, C replaced by G.
Protein change: p.Arg126Gly; replaces arginine 126 with glycine.
Molecular consequence: missense variant. On other transcripts: non-coding transcript variant (1).
Genome position (GRCh38, 1-based): chr7:16,406,219, G>C on the plus strand (C>G on the coding strand, the complement: CRPPA is on the minus strand). VCF-style: chr7-16406219-G-C. GRCh37 (hg19) VCF-style: chr7-16445844-G-C.
Other names: c.376C>G, p.Arg126Gly (NM_001101417.4, NM_001368197.1); short protein forms R126G.
Identifiers: ClinVar variation 1302256 (VCV001302256.4), dbSNP rs1472549168, ClinGen allele CA367002565.

ClinVar aggregate classification (germline): Uncertain significance. Review status: criteria provided, multiple submitters, no conflicts (2 of 4 stars). 2 submissions from 2 submitters: Uncertain significance (2). Last evaluated 2025-10-02.

Conditions:
Muscular dystrophy-dystroglycanopathy (congenital with brain and eye anomalies), type A, 7. Also called: WALKER-WARBURG SYNDROME OR MUSCLE-EYE-BRAIN DISEASE, ISPD-RELATED; Congenital muscular dystrophy-dystroglycanopathy with brain and eye anomalies, type A7. Identifiers: Orphanet 899, MedGen C3553330, MONDO:0013835, OMIM 614643.
Autosomal recessive limb-girdle muscular dystrophy type 2U. Also called: Muscular dystrophy-dystroglycanopathy (limb-girdle), type c, 7; MUSCULAR DYSTROPHY, LIMB-GIRDLE, TYPE 2U. Identifiers: Orphanet 352479, MedGen C5190987, MONDO:0014474, OMIM 616052.

Allele frequency attached by ClinVar (database versions not stated): TOPMed below 0.00001.
gnomAD v4.1: 3 of 1,613,792 alleles (0.00019%); highest among the groups gnomAD compares: Non-Finnish European, 0.00025%; no homozygotes.

Submissions (2):

Labcorp Genetics (formerly Invitae), Labcorp
Classification: Uncertain significance for Muscular dystrophy-dystroglycanopathy (congenital with brain and eye anomalies), type A, 7; Autosomal recessive limb-girdle muscular dystrophy type 2U. Last evaluated: 2025-10-02. Review status: criteria provided, single submitter. Criteria: Invitae Variant Classification Sherloc (09022015). Collection method: clinical testing. Allele origin: germline.
Comment: This sequence change replaces arginine, which is basic and polar, with glycine, which is neutral and non-polar, at codon 126 of the ISPD protein (p.Arg126Gly). This variant is not present in population databases (gnomAD no frequency). This variant has not been reported in the literature in individuals affected with ISPD-related conditions. ClinVar contains an entry for this variant (Variation ID: 1302256). Invitae Evidence Modeling of protein sequence and biophysical properties (such as structural, functional, and spatial information, amino acid conservation, physicochemical variation, residue mobility, and thermodynamic stability) indicates that this missense variant is expected to disrupt ISPD protein function with a positive predictive value of 80%. In summary, the available evidence is currently insufficient to determine the role of this variant in disease. Therefore, it has been classified as a Variant of Uncertain Significance.

GeneDx
Classification: Uncertain significance. Last evaluated: 2019-04-04. Review status: criteria provided, single submitter. Criteria: GeneDx Variant Classification Process June 2021. Collection method: clinical testing. Allele origin: germline. Affected: yes.
Comment: Not observed in large population cohorts (Lek et al., 2016); In silico analysis, which includes protein predictors and evolutionary conservation, supports a deleterious effect; Has not been previously published as pathogenic or benign to our knowledge